The following is an entry in ClinVar:

ClinVar aggregate classification (germline): Pathogenic. Review status: criteria provided, multiple submitters, no conflicts (2 of 4 stars). 3 submissions from 3 submitters: Pathogenic (2). 1 of the submissions does not count toward it. Last evaluated 2025-02-24.

Conditions:
Developmental and epileptic encephalopathy. Identifiers: MedGen C5779964, MONDO:0100620.
Seizures, benign familial infantile, 3 (BFIS3). Also called: CONVULSIONS, BENIGN FAMILIAL INFANTILE, 3; Familial neonatal seizures. Identifiers: Orphanet 140927, Orphanet 306, MedGen C1843140, MONDO:0011904, OMIM 607745.
Developmental and epileptic encephalopathy, 11 (DEE11). Also called: Early infantile epileptic encephalopathy 11. Identifiers: Orphanet 1934, MedGen C3150987, MONDO:0013388, OMIM 613721.

Submissions (3):

Labcorp Genetics (formerly Invitae), Labcorp
Classification: Pathogenic for Seizures, benign familial infantile, 3; Developmental and epileptic encephalopathy, 11. Last evaluated: 2025-02-24. Review status: criteria provided, single submitter. Criteria: Invitae Variant Classification Sherloc (09022015). Collection method: clinical testing. Allele origin: germline.
Comment: This sequence change replaces valine, which is neutral and non-polar, with alanine, which is neutral and non-polar, at codon 424 of the SCN2A protein (p.Val424Ala). This variant is not present in population databases (gnomAD no frequency). This missense change has been observed in individual(s) with early infantile epileptic encephalopathy and/or epilepsy and/or a neurodevelopmental disorder (PMID: 29655203, 35431799). In at least one individual the variant was observed to be de novo. ClinVar contains an entry for this variant (Variation ID: 207053). Invitae Evidence Modeling of protein sequence and biophysical properties (such as structural, functional, and spatial information, amino acid conservation, physicochemical variation, residue mobility, and thermodynamic stability) indicates that this missense variant is expected to disrupt SCN2A protein function with a positive predictive value of 95%. This variant disrupts the p.Val424 amino acid residue in SCN2A. Other variant(s) that disrupt this residue have been determined to be pathogenic (PMID: 28709814; internal data). This suggests that this residue is clinically significant, and that variants that disrupt this residue are likely to be disease-causing. For these reasons, this variant has been classified as Pathogenic.

GeneDx
Classification: Pathogenic. Last evaluated: 2012-11-20. Review status: criteria provided, single submitter. Criteria: GeneDx Variant Classification (06012015). Collection method: clinical testing. Allele origin: germline. Affected: yes.
Comment: p.Val424Ala (GTG>GCG): c.1271 T>C in exon 10 of the SCN2A gene (NM_021007.2). The Val424Ala missense change has not been published as a mutation, nor has it been reported as a benign polymorphism to our knowledge. The NHLBI ESP Exome Variant Project has not identified Val424Ala in approximately 6,500 individuals of European or African American ethnicity, indicating that it is not a common benign variant in these populations. The amino acid substitution is conservative, as Valine and Alanine are both uncharged, non-polar amino acids. However, it alters a highly conserved position in the S6 segment of the first transmembrane domain of the protein, and multiple in silico algorithms predict it may be damaging to protein structure/function. This variant has been observed de novo without verified parentage. The variant is found in EPILEPSY panel(s).

Neurology Department, Shenzhen Children's Hospital
Classification: Pathogenic for Developmental and epileptic encephalopathy. Last evaluated: 2022-02-16. Review status: no assertion criteria provided. Collection method: clinical testing. Allele origin: de novo. Affected: yes. Not counted in ClinVar's aggregate classification.

Literature cited by the submitters: PubMed 29655203 (cited by Labcorp Genetics (formerly Invitae), Labcorp); PubMed 35431799 (cited by Labcorp Genetics (formerly Invitae), Labcorp); PubMed 28709814 (cited by Labcorp Genetics (formerly Invitae), Labcorp).

NM_001040142.2(SCN2A):c.1271T>C (p.Val424Ala)

Gene: SCN2A (sodium voltage-gated channel alpha subunit 2; plus strand). Cytogenetic location: 2q24.3.
Variant type: single nucleotide variant.
Coding change: c.1271T>C on transcript NM_001040142.2 (MANE Select); coding-DNA position 1271, T replaced by C.
Protein change: p.Val424Ala; replaces valine 424 with alanine.
Molecular consequence: missense variant.
Genome position (GRCh38, 1-based): chr2:165,313,996, T>C. VCF-style: chr2-165313996-T-C. GRCh37 (hg19) VCF-style: chr2-166170506-T-C.
Other names: p.V424A:GTG>GCG; c.1271T>C, p.Val424Ala (NM_001040143.2, NM_001371246.1, NM_001371247.1 and 1 more transcripts); short protein forms V424A.
Identifiers: ClinVar variation 207053 (VCV000207053.16), dbSNP rs796053181, ClinGen allele CA318111.